The following is an entry in ClinVar:

NM_000517.6(HBA2):c.-181C>G

Genes: HBA2 (hemoglobin subunit alpha 2; plus strand), LOC106804612 (hemoglobin subunit alpha 2 recombination region; plus strand). Cytogenetic location: 16p13.3.
Variant type: single nucleotide variant.
Coding change: c.-181C>G on transcript NM_000517.6 (MANE Select); 181 bases upstream of the start codon, C replaced by G.
Genome position (GRCh38, 1-based): chr16:172,732, C>G. VCF-style: chr16-172732-C-G. GRCh37 (hg19) VCF-style: chr16-222731-C-G.
Identifiers: ClinVar variation 3340427 (VCV003340427.1).

ClinVar aggregate classification (germline): Uncertain significance (1 of 4 stars; one submission).

Conditions:
alpha Thalassemia. Also called: Alpha thalassemia spectrum. Identifiers: Orphanet 846, MedGen C0002312, MONDO:0011399, OMIM 604131.

Submission:

MVZ Dr. Eberhard & Partner Dortmund
Classification: Uncertain significance for alpha Thalassemia. Review status: criteria provided, single submitter. Criteria: ACMG Guidelines, 2015. Collection method: clinical testing. Allele origin: unknown.
Comment: According to our research, the variant HBA2 c.-181C>G was neither mentioned in the databases nor in the literature and is also not found in control groups of different ethnicities. HBA2 c.-181C>G is located in the proximal promoter region of the HBA2 gene. An influence of the variant on the expression of the HBA2 gene cannot be ruled out.